The following is an entry in ClinVar:

ClinVar aggregate classification (germline): Uncertain significance (1 of 4 stars; one submission).

Conditions:
Congenital contractural arachnodactyly (CCA). Also called: BEALS SYNDROME; Beals-Hecht syndrome; Arthrogryposis, distal, type 9. Identifiers: Orphanet 115, MedGen C0220668, MONDO:0007363, OMIM 121050.

Allele frequency attached by ClinVar (database versions not stated): ExAC 0.00001; ESP Exome Variant Server 0.00008.

Submission:

Labcorp Genetics (formerly Invitae), Labcorp
Classification: Uncertain significance for Congenital contractural arachnodactyly. Last evaluated: 2022-02-27. Review status: criteria provided, single submitter. Criteria: Invitae Variant Classification Sherloc (09022015). Collection method: clinical testing. Allele origin: germline.
Comment: In summary, the available evidence is currently insufficient to determine the role of this variant in disease. Therefore, it has been classified as a Variant of Uncertain Significance. Advanced modeling of protein sequence and biophysical properties (such as structural, functional, and spatial information, amino acid conservation, physicochemical variation, residue mobility, and thermodynamic stability) performed at Invitae indicates that this missense variant is not expected to disrupt FBN2 protein function. This variant has not been reported in the literature in individuals affected with FBN2-related conditions. This variant is not present in population databases (gnomAD no frequency). This sequence change replaces glutamic acid, which is acidic and polar, with aspartic acid, which is acidic and polar, at codon 2525 of the FBN2 protein (p.Glu2525Asp).

NM_001999.4(FBN2):c.7575G>T (p.Glu2525Asp)

Gene: FBN2 (fibrillin 2; minus strand). Cytogenetic location: 5q23.3.
Variant type: single nucleotide variant.
Coding change: c.7575G>T on transcript NM_001999.4 (MANE Select); coding-DNA position 7575, G replaced by T.
Protein change: p.Glu2525Asp; replaces glutamic acid 2525 with aspartic acid.
Molecular consequence: missense variant.
Genome position (GRCh38, 1-based): chr5:128,276,057, C>A on the plus strand (G>T on the coding strand, the complement: FBN2 is on the minus strand). VCF-style: chr5-128276057-C-A. GRCh37 (hg19) VCF-style: chr5-127611749-C-A.
Other names: short protein forms E2525D.
Identifiers: ClinVar variation 2183200 (VCV002183200.4), dbSNP rs372246238, ClinGen allele CA3394086.
Genomic context (GRCh38, chr5:128,276,057, plus strand): 5'-ATACAGACTAGGGTCACGATTGTCAGAGACTCTTCACTCACCTTTGCATGTCTTTCCATC[C>A]TCTTGCAGGACATACCCCCTCGGACATGAACACTGATAACTCCCCTCAGTGTTCTTGCAG-3'
Protein context (NP_001990.2, residues 2515-2535): CSCPRGYVLQ[Glu2525Asp]DGKTCKDLDE